The following is an entry in ClinVar:

ClinVar aggregate classification (germline): Likely benign (1 of 4 stars; one submission).

Conditions:
Breast-ovarian cancer, familial, susceptibility to, 2 (BROVCA2). Also called: BRCA2 Hereditary Breast and Ovarian Cancer. Identifiers: Orphanet 145, MedGen C2675520, MONDO:0012933, OMIM 612555. Disease mechanism: loss of function.

gnomAD v4.1: 1 of 1,608,844 alleles (0.000062%); highest among the groups gnomAD compares: Non-Finnish European, 0.000085%; no homozygotes.

Submission:

Cancer Bioinformatics and Tumour Evolution Laboratory, Monash University
Classification: Likely benign for Breast-ovarian cancer, familial, susceptibility to, 2. Last evaluated: 2026-05-01. Review status: criteria provided, single submitter. Criteria: ClinGen BRCA1 and BRCA2 Guidelines, 2024. Collection method: curation. Allele origin: germline. Inheritance: Autosomal dominant inheritance.
Comment: PMID: 39281752 - A large scale study to determine the case-control LR of BRCA1 and BRCA2 variants. The data was consolidated in the ccLR browser. This variant was found in the browser with a LR of 0.680985826 which is in the no evidence range according to the BRCA1 and BRCA2 VCEP. Hence, no evidence code is applied. Missense variant outside of a functional domain with no splice impact. BRCA1 and BRCA2 VCEP guidelines recommend application of BP1_Strong (PMID: 39142283)

Literature cited by the submitters: PubMed 39281752.

NM_000059.4(BRCA2):c.1438T>G (p.Cys480Gly)

Gene: BRCA2 (BRCA2 DNA repair associated; plus strand). Cytogenetic location: 13q13.1.
Variant type: single nucleotide variant.
Coding change: c.1438T>G on transcript NM_000059.4 (MANE Select); coding-DNA position 1438, T replaced by G.
Protein change: p.Cys480Gly; replaces cysteine 480 with glycine.
Molecular consequence: missense variant. On other transcripts: non-coding transcript variant (1), intron variant (1).
Genome position (GRCh38, 1-based): chr13:32,332,916, T>G. VCF-style: chr13-32332916-T-G. GRCh37 (hg19) VCF-style: chr13-32907053-T-G.
Other names: c.1438T>G, p.Cys480Gly (NM_001406719.1, NM_001406720.1, NM_001406721.1 and 1 more transcripts); c.424+1886T>G (NM_001406722.1); short protein forms C480G.
Identifiers: ClinVar variation 4856481 (VCV004856481.1).